The following is an entry in ClinVar:

ClinVar aggregate classification (germline): Benign/Likely benign. Review status: criteria provided, multiple submitters, no conflicts (2 of 4 stars). 2 submissions from 2 submitters: Benign (1); Likely benign (1). Last evaluated 2021-07-30.

Submissions (2):

Labcorp Genetics (formerly Invitae), Labcorp
Classification: Benign. Last evaluated: 2021-07-30. Review status: criteria provided, single submitter. Criteria: Invitae Variant Classification Sherloc (09022015). Collection method: clinical testing. Allele origin: germline.

GeneDx
Classification: Likely benign. Last evaluated: 2016-03-07. Review status: criteria provided, single submitter. Criteria: GeneDx Variant Classification (06012015). Collection method: clinical testing. Allele origin: germline. Affected: yes.
Comment: This variant is considered likely benign or benign based on one or more of the following criteria: it is a conservative change, it occurs at a poorly conserved position in the protein, it is predicted to be benign by multiple in silico algorithms, and/or has population frequency not consistent with disease.

NM_006231.4(POLE):c.2706+9dup

Gene: POLE (DNA polymerase epsilon, catalytic subunit; minus strand). Cytogenetic location: 12q24.33.
Variant type: Duplication.
Coding change: c.2706+9dup on transcript NM_006231.4 (MANE Select); 9 bases into the intron after coding-DNA position 2706, one base duplicated (G; older notation c.2706+9dupG).
Molecular consequence: intron variant.
Genome position (GRCh38, 1-based): chr12:132,663,992, C duplicated on the plus strand (G on the coding strand, the reverse complement: POLE is on the minus strand); the first of 4 consecutive C bases (chr12:132,663,992-132,663,995); duplicating any one gives the same sequence. VCF-style (leftmost placement, unchanged base first): chr12-132663991-G-GC. GRCh37 (hg19) VCF-style: chr12-133240577-G-GC.
Other names: c.2706+12dupG (NM_006231.2).
Identifiers: ClinVar variation 420622 (VCV000420622.8), dbSNP rs1555226409, ClinGen allele CA16619469.
Genomic context (GRCh38, chr12:132,663,991, plus strand): 5'-CTGCAGAGCCAGTGACATCAGGGCACTGACGCCAGGCCAGCCAGAGCTTCAGGACCAGAG[G>GC]CCCCAGACTCACCTTGACCATGATGTTCAACATGGCGCCTGGGTAGGAGATGGTCACTTT-3'